The following is an entry in ClinVar:

NM_007294.4(BRCA1):c.404_408del (p.Lys135fs)

Gene: BRCA1 (BRCA1 DNA repair associated; minus strand). Cytogenetic location: 17q21.31.
Variant type: Deletion.
Coding change: c.404_408del on transcript NM_007294.4 (MANE Select); coding-DNA positions 404 to 408, 5 bases deleted (AAAGA; older notation c.404_408delAAAGA).
Protein change: p.Lys135fs; shifts the reading frame from lysine 135.
Molecular consequence: frameshift variant. On other transcripts: intron variant (2).
Genome position (GRCh38, 1-based): chr17:43,104,155-43,104,159, TCTTT deleted on the plus strand (AAAGA on the coding strand, the reverse complement: BRCA1 is on the minus strand); deleting any 5 consecutive bases within chr17:43,104,155-43,104,160 gives the same sequence; the c. name uses the placement nearest the transcript's 3' end. VCF-style (leftmost placement, unchanged base first): chr17-43104154-GTCTTT-G. GRCh37 (hg19) VCF-style: chr17-41256171-GTCTTT-G.
Other names: c.404_408del, p.Lys135fs (NM_001408406.1, NM_001408407.1, NM_001408398.1 and 164 more transcripts); c.395_399del, p.Lys132fs (NM_001408408.1, NM_001407646.1, NM_001407647.1); c.326_330del, p.Lys109fs (NM_001408409.1, NM_001408411.1, NM_001407862.1 and 21 more transcripts); c.263_267del, p.Lys88fs (NM_001408410.1, NM_001407736.1, NM_001407737.1 and 99 more transcripts); c.194_198del, p.Lys65fs (NM_001407879.1, NM_001407881.1, NM_001407882.1 and 58 more transcripts); c.23_27del, p.Lys8fs (NM_001407959.1, NM_001407960.1, NM_001407962.1 and 4 more transcripts); c.272_276del, p.Lys91fs (NM_001408451.1); c.403_407delAAAAG, p.Lys135Thrfs (NM_007304.2); and 1 more; short protein forms K109fs, K132fs, K135fs, K65fs, K88fs, K8fs, K91fs.
Identifiers: ClinVar variation 3026904 (VCV003026904.22), dbSNP rs2552250937, ClinGen allele CA2740093743.
Genomic context (GRCh38, chr17:43,104,154, plus strand): 5'-AGAAGAAGAAGAAAACAAATGGTTTTACCAAGGAAGGATTTTCGGGTTCACTCTGTAGAA[GTCTTT>G]TGGCACGGTTTCTGTAGCCCATACTTTGGATGATAGAAACTTCATCTTTTAGATGTTCAG-3'

ClinVar aggregate classification (germline): Pathogenic (1 of 4 stars; one submission).

Submission:

CeGaT Center for Human Genetics Tuebingen
Classification: Pathogenic. Last evaluated: 2023-12-01. Review status: criteria provided, single submitter. Criteria: CeGaT Center For Human Genetics Tuebingen Variant Classification Criteria Version 2. Collection method: clinical testing. Allele origin: germline. Affected: yes. Observed: 1 variant allele.
Comment: BRCA1: PVS1, PM2